The following is an entry in ClinVar:

NM_000883.4(IMPDH1):c.1094C>A (p.Ser365Ter)

Gene: IMPDH1 (inosine monophosphate dehydrogenase 1; minus strand). Cytogenetic location: 7q32.1.
Variant type: single nucleotide variant.
Coding change: c.1094C>A on transcript NM_000883.4 (MANE Select); coding-DNA position 1094, C replaced by A.
Protein change: p.Ser365Ter; replaces serine 365 with a stop codon.
Molecular consequence: nonsense.
Genome position (GRCh38, 1-based): chr7:128,397,003, G>T on the plus strand (C>A on the coding strand, the complement: IMPDH1 is on the minus strand). VCF-style: chr7-128397003-G-T. GRCh37 (hg19) VCF-style: chr7-128037057-G-T.
Other names: c.1064C>A, p.Ser355Ter (NM_001102605.2); c.839C>A, p.Ser280Ter (NM_001142573.2); c.824C>A, p.Ser275Ter (NM_001142574.2); c.764C>A, p.Ser255Ter (NM_001142575.2); c.995C>A, p.Ser332Ter (NM_001142576.2); c.887C>A, p.Ser296Ter (NM_001304521.2); c.986C>A, p.Ser329Ter (NM_183243.3); short protein forms S255*, S329*, S365*, S275*, S280*, S296*, S332*, S355*.
Identifiers: ClinVar variation 3642639 (VCV003642639.2).
Genomic context (GRCh38, chr7:128,397,003, plus strand): 5'-ATCACCTGGAGGTGGGGGTACTTCTGTTTGATGTAATGCACCATGGCGATCTGATACACC[G>T]AATTCCCTTGGGACGAGTCCTGTGAGAAAGGACGGAAGAGCTTGGGCTTAGACAGCTGAG-3'

ClinVar aggregate classification (germline): Pathogenic (1 of 4 stars; one submission).

Submission:

Labcorp Genetics (formerly Invitae), Labcorp
Classification: Pathogenic. Last evaluated: 2024-03-01. Review status: criteria provided, single submitter. Criteria: Invitae Variant Classification Sherloc (09022015). Collection method: clinical testing. Allele origin: germline.
Comment: This sequence change creates a premature translational stop signal (p.Ser365*) in the IMPDH1 gene. It is expected to result in an absent or disrupted protein product. Loss-of-function variants in IMPDH1 are known to be pathogenic (PMID: 14981049, 33090715). This variant is not present in population databases (gnomAD no frequency). This variant has not been reported in the literature in individuals affected with IMPDH1-related conditions. For these reasons, this variant has been classified as Pathogenic.

Literature cited by the submitters: PubMed 14981049; PubMed 33090715.